The following is an entry in ClinVar:

NM_005530.3(IDH3A):c.900C>T (p.Asp300=)

Gene: IDH3A (isocitrate dehydrogenase (NAD(+)) 3 catalytic subunit alpha; plus strand). Cytogenetic location: 15q25.1.
Variant type: single nucleotide variant.
Coding change: c.900C>T on transcript NM_005530.3 (MANE Select); coding-DNA position 900, C replaced by T.
Protein change: p.Asp300=; no amino-acid change (aspartic acid 300 retained).
Molecular consequence: synonymous variant.
Genome position (GRCh38, 1-based): chr15:78,166,185, C>T. VCF-style: chr15-78166185-C-T. GRCh37 (hg19) VCF-style: chr15-78458527-C-T.
Other names: c.900C>T (NM_005530.2).
Identifiers: ClinVar variation 1105620 (VCV001105620.18), dbSNP rs367628741, ClinGen allele CA7680712.

ClinVar aggregate classification (germline): Likely benign. Review status: criteria provided, multiple submitters, no conflicts (2 of 4 stars). 5 submissions from 5 submitters: Likely benign (4). 1 of the submissions does not count toward it. Last evaluated 2026-01-21.

Conditions:
IDH3A-related disorder. Also called: IDH3A-related condition.

Allele frequency attached by ClinVar (database versions not stated): gnomAD exomes 0.00007 and 0.00009; ESP Exome Variant Server 0.00008; ExAC 0.00009; gnomAD 0.00009 and 0.00010; TOPMed 0.00013.
gnomAD v4.1: 130 of 1,614,198 alleles (0.0081%); highest among the groups gnomAD compares: Middle Eastern, 0.33%; no homozygotes.

Submissions (5):

Labcorp Genetics (formerly Invitae), Labcorp
Classification: Likely benign. Last evaluated: 2026-01-21. Review status: criteria provided, single submitter. Criteria: Invitae Variant Classification Sherloc (09022015). Collection method: clinical testing. Allele origin: germline.

CeGaT Center for Human Genetics Tuebingen
Classification: Likely benign. Last evaluated: 2025-12-01. Review status: criteria provided, single submitter. Criteria: CeGaT Center For Human Genetics Tuebingen Variant Classification Criteria Version 2. Collection method: clinical testing. Allele origin: germline. Affected: yes. Observed: 1 variant allele.
Comment: IDH3A: BP4, BP7

Blueprint Genetics
Classification: Likely benign. Last evaluated: 2024-10-31. Review status: criteria provided, single submitter. Criteria: ACMG Guidelines, 2015. Collection method: clinical testing. Allele origin: germline.

Breakthrough Genomics
Classification: Likely benign. Review status: criteria provided, single submitter. Criteria: ACMG Guidelines, 2015. Collection method: not provided. Allele origin: germline. Inheritance: Autosomal recessive inheritance. Affected: yes.

PreventionGenetics, part of Exact Sciences
Classification: Likely benign for IDH3A-related condition. Last evaluated: 2019-10-30. Review status: no assertion criteria provided. Collection method: clinical testing. Allele origin: germline. Not counted in ClinVar's aggregate classification.
Comment: This variant is classified as likely benign based on ACMG/AMP sequence variant interpretation guidelines (Richards et al. 2015 PMID: 25741868, with internal and published modifications).